The following is an entry in ClinVar:

NM_000465.4(BARD1):c.969C>T (p.Gly323=)

Gene: BARD1 (BRCA1 associated RING domain 1; minus strand). Cytogenetic location: 2q35.
Variant type: single nucleotide variant.
Coding change: c.969C>T on transcript NM_000465.4 (MANE Select); coding-DNA position 969, C replaced by T.
Protein change: p.Gly323=; no amino-acid change (glycine 323 retained).
Molecular consequence: synonymous variant. On other transcripts: non-coding transcript variant (2), intron variant (3).
Genome position (GRCh38, 1-based): chr2:214,780,905, G>A on the plus strand (C>T on the coding strand, the complement: BARD1 is on the minus strand). VCF-style: chr2-214780905-G-A. GRCh37 (hg19) VCF-style: chr2-215645629-G-A.
Other names: c.912C>T, p.Gly304= (NM_001282543.2); c.159-28350C>T (NM_001282548.2); c.215+16156C>T (NM_001282545.2); c.364+11392C>T (NM_001282549.2).
Identifiers: ClinVar variation 479169 (VCV000479169.16), dbSNP rs1553622322, ClinGen allele CA431390999.

ClinVar aggregate classification (germline): Benign/Likely benign. Review status: criteria provided, multiple submitters, no conflicts (2 of 4 stars). 3 submissions from 3 submitters: Benign (1); Likely benign (2). Last evaluated 2025-07-21.

Conditions:
Familial cancer of breast. Also called: BREAST CANCER, FAMILIAL; hereditary breast carcinoma; Hereditary breast cancer. Identifiers: Orphanet 227535, MedGen C0346153, MONDO:0016419, OMIM 114480. Disease mechanism: loss of function.
Hereditary cancer-predisposing syndrome. Also called: Neoplastic Syndromes, Hereditary; Hereditary Cancer Syndrome; Hereditary neoplastic syndrome; Tumor predisposition. Identifiers: Orphanet 140162, MedGen C0027672, MeSH D009386, MONDO:0015356.

Submissions (3):

Labcorp Genetics (formerly Invitae), Labcorp
Classification: Likely benign for Familial cancer of breast. Last evaluated: 2025-07-21. Review status: criteria provided, single submitter. Criteria: Invitae Variant Classification Sherloc (09022015). Collection method: clinical testing. Allele origin: germline.

Myriad Genetics, Inc.
Classification: Benign for Familial cancer of breast. Last evaluated: 2024-07-23. Review status: criteria provided, single submitter. Criteria: Myriad Autosomal Dominant, Autosomal Recessive and X-Linked Classification Criteria (2023). Collection method: clinical testing. Allele origin: unknown.
Comment: This variant is considered benign. This variant is a silent/synonymous amino acid change and it is not expected to impact splicing.

Ambry Genetics
Classification: Likely benign for Hereditary cancer-predisposing syndrome. Last evaluated: 2016-11-10. Review status: criteria provided, single submitter. Criteria: Ambry Variant Classification Scheme 2023. Collection method: clinical testing. Allele origin: germline.